The following is an entry in ClinVar:

ClinVar aggregate classification (germline): Uncertain significance. Review status: criteria provided, multiple submitters, no conflicts (2 of 4 stars). 2 submissions from 2 submitters: Uncertain significance (2). Last evaluated 2025-09-05.

Conditions:
Inborn genetic diseases. Identifiers: MedGen C0950123, MeSH D030342.
Myopathy, proximal, and ophthalmoplegia (CMYO6). Also called: INCLUSION BODY MYOPATHY 3, AUTOSOMAL DOMINANT; MYOPATHY WITH CONGENITAL JOINT CONTRACTURES, OPHTHALMOPLEGIA, AND RIMMED VACUOLES; CONGENITAL MYOPATHY 6 WITH OPHTHALMOPLEGIA. Identifiers: Orphanet 363677, Orphanet 79091, MedGen C1854106, MONDO:0011577, OMIM 605637.

Allele frequency attached by ClinVar (database versions not stated): ExAC 0.00002; gnomAD exomes 0.00002 and 0.00004; TOPMed 0.00002; gnomAD 0.00003; ESP Exome Variant Server 0.00008.
gnomAD v4.1: 64 of 1,613,984 alleles (0.004%); highest among the groups gnomAD compares: Middle Eastern, 0.016%; no homozygotes.

Submissions (2):

Ambry Genetics
Classification: Uncertain significance for Inborn genetic diseases. Last evaluated: 2025-09-05. Review status: criteria provided, single submitter. Criteria: Ambry Variant Classification Scheme 2023. Collection method: clinical testing. Allele origin: germline.

Labcorp Genetics (formerly Invitae), Labcorp
Classification: Uncertain significance for Myopathy, proximal, and ophthalmoplegia. Last evaluated: 2024-12-02. Review status: criteria provided, single submitter. Criteria: Invitae Variant Classification Sherloc (09022015). Collection method: clinical testing. Allele origin: germline.
Comment: This sequence change replaces arginine, which is basic and polar, with cysteine, which is neutral and slightly polar, at codon 1640 of the MYH2 protein (p.Arg1640Cys). This variant is present in population databases (rs375371672, gnomAD 0.007%). This variant has not been reported in the literature in individuals affected with MYH2-related conditions. ClinVar contains an entry for this variant (Variation ID: 843082). Invitae Evidence Modeling of protein sequence and biophysical properties (such as structural, functional, and spatial information, amino acid conservation, physicochemical variation, residue mobility, and thermodynamic stability) indicates that this missense variant is expected to disrupt MYH2 protein function with a positive predictive value of 80%. In summary, the available evidence is currently insufficient to determine the role of this variant in disease. Therefore, it has been classified as a Variant of Uncertain Significance.

NM_017534.6(MYH2):c.4918C>T (p.Arg1640Cys)

Genes: MYH2 (myosin heavy chain 2; minus strand), MYHAS (myosin heavy chain gene cluster antisense RNA; plus strand), LOC126862500 (BRD4-independent group 4 enhancer GRCh37_chr17:10427829-10429028; plus strand). Cytogenetic location: 17p13.1.
Variant type: single nucleotide variant.
Coding change: c.4918C>T on transcript NM_017534.6 (MANE Select); coding-DNA position 4918, C replaced by T.
Protein change: p.Arg1640Cys; replaces arginine 1640 with cysteine.
Molecular consequence: missense variant.
Genome position (GRCh38, 1-based): chr17:10,524,810, G>A on the plus strand (C>T on the coding strand, the complement: MYH2 is on the minus strand). VCF-style: chr17-10524810-G-A. GRCh37 (hg19) VCF-style: chr17-10428127-G-A.
Other names: c.4918C>T, p.Arg1640Cys (NM_001100112.2); short protein forms R1640C.
Identifiers: ClinVar variation 843082 (VCV000843082.8), dbSNP rs375371672, ClinGen allele CA8390541.